The following is an entry in ClinVar:

ClinVar aggregate classification (germline): Likely benign. Review status: criteria provided, multiple submitters, no conflicts (2 of 4 stars). 3 submissions from 3 submitters: Likely benign (3). Last evaluated 2026-01-18.

Conditions:
Hereditary cancer-predisposing syndrome. Also called: Neoplastic Syndromes, Hereditary; Tumor predisposition; Hereditary Cancer Syndrome; Hereditary neoplastic syndrome. Identifiers: Orphanet 140162, MedGen C0027672, MeSH D009386, MONDO:0015356.
Gorlin syndrome. Also called: Nevoid Basal Cell Carcinoma Syndrome; Basal cell nevus syndrome. Identifiers: Orphanet 377, MedGen C0004779, MONDO:0007187.
PTCH1-related disorder. Also called: PTCH1-related disorders; PTCH1-related condition.

Allele frequency attached by ClinVar (database versions not stated): gnomAD exomes below 0.00001 and 0.00001; TOPMed below 0.00001; gnomAD 0.00001; ExAC 0.00002.
gnomAD v4.1: 4 of 1,613,990 alleles (0.00025%); highest among the groups gnomAD compares: East Asian, 0.0067%; no homozygotes.

Submissions (3):

Labcorp Genetics (formerly Invitae), Labcorp
Classification: Likely benign for Gorlin syndrome. Last evaluated: 2026-01-18. Review status: criteria provided, single submitter. Criteria: Invitae Variant Classification Sherloc (09022015). Collection method: clinical testing. Allele origin: germline.

PreventionGenetics, part of Exact Sciences
Classification: Likely benign for PTCH1-related condition. Last evaluated: 2025-08-04. Review status: criteria provided, single submitter. Criteria: ACMG Guidelines, 2015. Collection method: clinical testing. Allele origin: germline.
Comment: This variant is classified as likely benign based on ACMG/AMP sequence variant interpretation guidelines (Richards et al. 2015 PMID: 25741868, with internal and published modifications).

Ambry Genetics
Classification: Likely benign for Hereditary cancer-predisposing syndrome. Last evaluated: 2019-02-14. Review status: criteria provided, single submitter. Criteria: Ambry Variant Classification Scheme 2023. Collection method: clinical testing. Allele origin: germline.

NM_000264.5(PTCH1):c.1020G>A (p.Glu340=)

Gene: PTCH1 (patched 1; minus strand). Cytogenetic location: 9q22.32.
Variant type: single nucleotide variant.
Coding change: c.1020G>A on transcript NM_000264.5 (MANE Select); coding-DNA position 1020, G replaced by A.
Protein change: p.Glu340=; no amino-acid change (glutamic acid 340 retained).
Molecular consequence: synonymous variant. On other transcripts: non-coding transcript variant (1).
Genome position (GRCh38, 1-based): chr9:95,480,016, C>T on the plus strand (G>A on the coding strand, the complement: PTCH1 is on the minus strand). VCF-style: chr9-95480016-C-T. GRCh37 (hg19) VCF-style: chr9-98242298-C-T.
Other names: c.822G>A, p.Glu274= (NM_001083602.3); c.1017G>A, p.Glu339= (NM_001083603.3); c.567G>A, p.Glu189= (NM_001083604.3, NM_001083605.3, NM_001083606.3 and 1 more transcripts); c.1020G>A, p.Glu340= (NM_001354918.2).
Identifiers: ClinVar variation 215679 (VCV000215679.17), dbSNP rs748171767, ClinGen allele CA335721.